The following is an entry in ClinVar:

NM_005392.4(PHF2):c.318C>T (p.Ala106=)

Gene: PHF2 (PHD finger protein 2; plus strand). Cytogenetic location: 9q22.31.
Variant type: single nucleotide variant.
Coding change: c.318C>T on transcript NM_005392.4 (MANE Select); coding-DNA position 318, C replaced by T.
Protein change: p.Ala106=; no amino-acid change (alanine 106 retained).
Molecular consequence: synonymous variant.
Genome position (GRCh38, 1-based): chr9:93,645,647, C>T. VCF-style: chr9-93645647-C-T. GRCh37 (hg19) VCF-style: chr9-96407929-C-T.
Identifiers: ClinVar variation 3771248 (VCV003771248.13).

ClinVar aggregate classification (germline): Likely benign (1 of 4 stars; one submission).

gnomAD v4.1: 1,044 of 1,603,888 alleles (0.065%); highest among the groups gnomAD compares: Non-Finnish European, 0.084%; 1 homozygote.

Submission:

CeGaT Center for Human Genetics Tuebingen
Classification: Likely benign. Last evaluated: 2025-01-01. Review status: criteria provided, single submitter. Criteria: CeGaT Center For Human Genetics Tuebingen Variant Classification Criteria Version 2. Collection method: clinical testing. Allele origin: germline. Affected: yes. Observed: 1 variant allele.
Comment: PHF2: BP4, BP7